The following is an entry in ClinVar:

NM_001164665.2(KIAA1549):c.1021A>G (p.Thr341Ala)

Gene: KIAA1549 (KIAA1549; minus strand). Cytogenetic location: 7q34.
Variant type: single nucleotide variant.
Coding change: c.1021A>G on transcript NM_001164665.2 (MANE Select); coding-DNA position 1021, A replaced by G.
Protein change: p.Thr341Ala; replaces threonine 341 with alanine.
Molecular consequence: missense variant.
Genome position (GRCh38, 1-based): chr7:138,918,605, T>C on the plus strand (A>G on the coding strand, the complement: KIAA1549 is on the minus strand). VCF-style: chr7-138918605-T-C. GRCh37 (hg19) VCF-style: chr7-138603351-T-C.
Other names: c.1021A>G, p.Thr341Ala (NM_020910.3); c.1021A>G (NM_001164665.1); short protein forms T341A.
Identifiers: ClinVar variation 1499264 (VCV001499264.9), dbSNP rs370573254, ClinGen allele CA4506819.

ClinVar aggregate classification (germline): Conflicting classifications of pathogenicity. Review status: criteria provided, conflicting classifications (1 of 4 stars). 2 submissions from 2 submitters: Uncertain significance (1); Likely benign (1). Last evaluated 2023-11-27.

Conditions:
Inborn genetic diseases. Identifiers: MedGen C0950123, MeSH D030342.

Allele frequency attached by ClinVar (database versions not stated): gnomAD exomes 0.00001 and 0.00002; ExAC 0.00002; gnomAD 0.00005; TOPMed 0.00006; 1000 Genomes Project 30x 0.00016; ESP Exome Variant Server 0.00016; 1000 Genomes Project 0.00020.
gnomAD v4.1: 16 of 1,614,028 alleles (0.00099%); highest among the groups gnomAD compares: African/African-American, 0.019%; 1 homozygote.

Submissions (2):

Labcorp Genetics (formerly Invitae), Labcorp
Classification: Uncertain significance. Last evaluated: 2023-11-27. Review status: criteria provided, single submitter. Criteria: Invitae Variant Classification Sherloc (09022015). Collection method: clinical testing. Allele origin: germline.
Comment: This sequence change replaces threonine, which is neutral and polar, with alanine, which is neutral and non-polar, at codon 341 of the KIAA1549 protein (p.Thr341Ala). This variant is present in population databases (rs370573254, gnomAD 0.02%). This variant has not been reported in the literature in individuals affected with KIAA1549-related conditions. ClinVar contains an entry for this variant (Variation ID: 1499264). Algorithms developed to predict the effect of missense changes on protein structure and function output the following: SIFT: "Not Available"; PolyPhen-2: "Benign"; Align-GVGD: "Not Available". The alanine amino acid residue is found in multiple mammalian species, which suggests that this missense change does not adversely affect protein function. In summary, the available evidence is currently insufficient to determine the role of this variant in disease. Therefore, it has been classified as a Variant of Uncertain Significance.

Ambry Genetics
Classification: Likely benign for Inborn genetic diseases. Last evaluated: 2022-04-13. Review status: criteria provided, single submitter. Criteria: Ambry Variant Classification Scheme 2023. Collection method: clinical testing. Allele origin: germline.